The following is an entry in ClinVar:

NM_003737.4(DCHS1):c.7605C>T (p.Pro2535=)

Gene: DCHS1 (dachsous cadherin-related 1; minus strand). Cytogenetic location: 11p15.4.
Variant type: single nucleotide variant.
Coding change: c.7605C>T on transcript NM_003737.4 (MANE Select); coding-DNA position 7605, C replaced by T.
Protein change: p.Pro2535=; no amino-acid change (proline 2535 retained).
Molecular consequence: synonymous variant.
Genome position (GRCh38, 1-based): chr11:6,624,071, G>A on the plus strand (C>T on the coding strand, the complement: DCHS1 is on the minus strand). VCF-style: chr11-6624071-G-A. GRCh37 (hg19) VCF-style: chr11-6645302-G-A.
Identifiers: ClinVar variation 3044145 (VCV003044145.2), dbSNP rs925417266, ClinGen allele CA217329918.
Genomic context (GRCh38, chr11:6,624,071, plus strand): 5'-CACCAGGCAGCCCAGTGCCCGGGGGCCTGGTCCAGCACTCTCCCCAGCCTCAGCCAGCCT[G>A]GGTTCCAGCTGGAAGACTCGGCCCCAGTTGCCACTGATGATGCTGTAGTCCACAGCGGCA-3'
Protein context (NP_003728.1, residues 2525-2545): GNWGRVFQLE[Pro2535=]RLAEAGESAG

ClinVar aggregate classification (germline): Likely benign (0 of 4 stars; one submission).

Conditions:
DCHS1-related disorder. Also called: DCHS1-related condition.

gnomAD v4.1: 7 of 1,613,028 alleles (0.00043%); highest among the groups gnomAD compares: South Asian, 0.0011%; no homozygotes.

Submission:

PreventionGenetics, part of Exact Sciences
Classification: Likely benign for DCHS1-related condition. Last evaluated: 2023-02-08. Review status: no assertion criteria provided. Collection method: clinical testing. Allele origin: germline.
Comment: This variant is classified as likely benign based on ACMG/AMP sequence variant interpretation guidelines (Richards et al. 2015 PMID: 25741868, with internal and published modifications).